The following is an entry in ClinVar:

ClinVar aggregate classification (germline): Uncertain significance (1 of 4 stars; one submission).

Allele frequency attached by ClinVar (database versions not stated): TOPMed below 0.00001.
gnomAD v4.1: 2 of 1,614,072 alleles (0.00012%); highest among the groups gnomAD compares: African/African-American, 0.0027%; no homozygotes.

Submission:

Labcorp Genetics (formerly Invitae), Labcorp
Classification: Uncertain significance. Last evaluated: 2022-07-25. Review status: criteria provided, single submitter. Criteria: Invitae Variant Classification Sherloc (09022015). Collection method: clinical testing. Allele origin: germline.
Comment: In summary, the available evidence is currently insufficient to determine the role of this variant in disease. Therefore, it has been classified as a Variant of Uncertain Significance. Advanced modeling of protein sequence and biophysical properties (such as structural, functional, and spatial information, amino acid conservation, physicochemical variation, residue mobility, and thermodynamic stability) performed at Invitae indicates that this missense variant is not expected to disrupt TK2 protein function. ClinVar contains an entry for this variant (Variation ID: 1496441). This variant has not been reported in the literature in individuals affected with TK2-related conditions. This variant is present in population databases (rs751112288, gnomAD 0.007%). This sequence change replaces serine, which is neutral and polar, with cysteine, which is neutral and slightly polar, at codon 84 of the TK2 protein (p.Ser84Cys).

NM_004614.5(TK2):c.251C>G (p.Ser84Cys)

Gene: TK2 (thymidine kinase 2; minus strand). Cytogenetic location: 16q21.
Variant type: single nucleotide variant.
Coding change: c.251C>G on transcript NM_004614.5 (MANE Select); coding-DNA position 251, C replaced by G.
Protein change: p.Ser84Cys; replaces serine 84 with cysteine.
Molecular consequence: missense variant. On other transcripts: 5 prime UTR variant (1), non-coding transcript variant (1), intron variant (1).
Genome position (GRCh38, 1-based): chr16:66,536,998, G>C on the plus strand (C>G on the coding strand, the complement: TK2 is on the minus strand). VCF-style: chr16-66536998-G-C. GRCh37 (hg19) VCF-style: chr16-66570901-G-C.
Other names: c.158C>G, p.Ser53Cys (NM_001172643.1, NM_001271935.1); c.176C>G, p.Ser59Cys (NM_001172644.2); c.104C>G, p.Ser35Cys (NM_001271934.2); c.-41C>G (NM_001272050.2); c.231+4881C>G (NM_001172645.2); short protein forms S35C, S53C, S59C, S84C.
Identifiers: ClinVar variation 1496441 (VCV001496441.7), dbSNP rs751112288, ClinGen allele CA8093742.